The following is an entry in ClinVar:

NM_000051.4(ATM):c.8173G>A (p.Asp2725Asn)

Genes: ATM (ATM serine/threonine kinase; plus strand), C11orf65 (chromosome 11 open reading frame 65; minus strand). Cytogenetic location: 11q22.3.
Variant type: single nucleotide variant.
Coding change: c.8173G>A on transcript NM_000051.4 (MANE Select); coding-DNA position 8173, G replaced by A.
Protein change: p.Asp2725Asn; replaces aspartic acid 2725 with asparagine.
Molecular consequence: missense variant. On other transcripts: intron variant (2).
Genome position (GRCh38, 1-based): chr11:108,335,866, G>A. VCF-style: chr11-108335866-G-A. GRCh37 (hg19) VCF-style: chr11-108206593-G-A.
Other names: c.8173G>A, p.Asp2725Asn (NM_001351834.2); c.641-26795C>T (NM_001330368.2); c.695-574C>T (NM_001351110.2); short protein forms D2725N.
Identifiers: ClinVar variation 1038164 (VCV001038164.9), dbSNP rs587782049, ClinGen allele CA382562499.

ClinVar aggregate classification (germline): Uncertain significance (1 of 4 stars; one submission).

Conditions:
Ataxia-telangiectasia syndrome (AT). Also called: Ataxia telangiectasia (A-T); ATAXIA-TELANGIECTASIA, COMPLEMENTATION GROUP A; ATAXIA-TELANGIECTASIA, FRESNO VARIANT; Ataxia-telangiectasia; Ataxia-telangiectasia, complementation group E; LOUIS-BAR SYNDROME. Identifiers: Orphanet 100, MedGen C0004135, MONDO:0008840, OMIM 208900.

Submission:

Labcorp Genetics (formerly Invitae), Labcorp
Classification: Uncertain significance for Ataxia-telangiectasia syndrome. Last evaluated: 2020-10-14. Review status: criteria provided, single submitter. Criteria: Invitae Variant Classification Sherloc (09022015). Collection method: clinical testing. Allele origin: germline.
Comment: This variant has not been reported in the literature in individuals with ATM-related conditions. This variant is not present in population databases (ExAC no frequency). This sequence change replaces aspartic acid with asparagine at codon 2725 of the ATM protein (p.Asp2725Asn). The aspartic acid residue is highly conserved and there is a small physicochemical difference between aspartic acid and asparagine. Advanced modeling of protein sequence and biophysical properties (such as structural, functional, and spatial information, amino acid conservation, physicochemical variation, residue mobility, and thermodynamic stability) performed at Invitae indicates that this missense variant is expected to disrupt ATM protein function. In summary, the available evidence is currently insufficient to determine the role of this variant in disease. Therefore, it has been classified as a Variant of Uncertain Significance.